The following is an entry in ClinVar:

NM_004006.3(DMD):c.8138A>G (p.Asn2713Ser)

Gene: DMD (dystrophin; minus strand). Cytogenetic location: Xp21.1.
Variant type: single nucleotide variant.
Coding change: c.8138A>G on transcript NM_004006.3 (MANE Select); coding-DNA position 8138, A replaced by G.
Protein change: p.Asn2713Ser; replaces asparagine 2713 with serine.
Molecular consequence: missense variant.
Genome position (GRCh38, 1-based): chrX:31,627,752, T>C on the plus strand (A>G on the coding strand, the complement: DMD is on the minus strand). VCF-style: chrX-31627752-T-C. GRCh37 (hg19) VCF-style: chrX-31645869-T-C.
Other names: c.8114A>G, p.Asn2705Ser (NM_000109.4); c.8126A>G, p.Asn2709Ser (NM_004009.3); c.7769A>G, p.Asn2590Ser (NM_004010.3); c.4115A>G, p.Asn1372Ser (NM_004011.4); c.4106A>G, p.Asn1369Ser (NM_004012.4); c.758A>G, p.Asn253Ser (NM_004013.3, NM_004020.4, NM_004021.3 and 2 more transcripts); short protein forms N2713S, N1372S, N2705S, N2709S, N1369S, N2590S, N253S.
Identifiers: ClinVar variation 447266 (VCV000447266.33), dbSNP rs758633794, ClinGen allele CA10378137.

ClinVar aggregate classification (germline): Conflicting classifications of pathogenicity. Review status: criteria provided, conflicting classifications (1 of 4 stars). 10 submissions from 10 submitters: Uncertain significance (1); Benign (2); Likely benign (5). 2 of the submissions do not count toward it. Last evaluated 2026-02-01.

Conditions:
Cardiovascular phenotype. Identifiers: MedGen CN230736.
DMD-related disorder. Also called: DMD-related condition.
Becker muscular dystrophy (BMD). Also called: MUSCULAR DYSTROPHY, PSEUDOHYPERTROPHIC PROGRESSIVE, BECKER TYPE; Becker Muscular Dystrophy (BMD). Identifiers: Orphanet 98895, MedGen C0917713, MONDO:0010311, OMIM 300376.
Duchenne muscular dystrophy (DMD). Also called: Duchenne Muscular Dystrophy (DMD); MUSCULAR DYSTROPHY, PSEUDOHYPERTROPHIC PROGRESSIVE, DUCHENNE TYPE. Identifiers: Orphanet 98896, MedGen C0013264, MONDO:0010679, OMIM 310200.
Cardiomyopathy (CMYO). Also called: Cardiomyopathies. Identifiers: Orphanet 167848, MedGen C0878544, MONDO:0004994, HP:0001638. Inheritance: Various modes of inheritance.
Dystrophin deficiency.

Allele frequency attached by ClinVar (database versions not stated): ExAC 0.00011; gnomAD exomes 0.00011 and 0.00016; gnomAD 0.00022 and 0.00023; TOPMed 0.00024; 1000 Genomes Project 0.00079; 1000 Genomes Project 30x 0.00104.
gnomAD v4.1: 141 of 1,209,525 alleles (0.012%); highest among the groups gnomAD compares: African/African-American, 0.045%; no homozygotes.

Submissions (10):

Labcorp Genetics (formerly Invitae), Labcorp
Classification: Benign for Duchenne muscular dystrophy. Last evaluated: 2026-02-01. Review status: criteria provided, single submitter. Criteria: Invitae Variant Classification Sherloc (09022015). Collection method: clinical testing. Allele origin: germline.

Women's Health and Genetics/Laboratory Corporation of America, LabCorp
Classification: Likely benign. Last evaluated: 2025-07-07. Review status: criteria provided, single submitter. Criteria: LabCorp Variant Classification Summary - May 2015. Collection method: clinical testing. Allele origin: germline.
Comment: Variant summary: DMD c.8138A>G (p.Asn2713Ser) results in a conservative amino acid change in the encoded protein sequence. Algorithms developed to predict the effect of missense changes on protein structure and function are either unavailable or do not agree on the potential impact of this missense change. The variant allele was found at a frequency of 0.00016 in 182445 control chromosomes. The observed variant frequency is approximately 14.91 fold of the estimated maximal expected allele frequency for a pathogenic variant in DMD causing Dystrophinopathies phenotype (1.1e-05). c.8138A>G has been observed in individuals from cardiomyopathy or stillbirth cohorts (e.g., Merc_2024, Sahlin_2019, van Spaendonck-Zwarts_2014). These reports do not provide unequivocal conclusions about association of the variant with Dystrophinopathies. To our knowledge, no experimental evidence demonstrating an impact on protein function has been reported. The following publications have been ascertained in the context of this evaluation (PMID: 38813989, 30615648, 24558114). ClinVar contains an entry for this variant (Variation ID: 447266). Based on the evidence outlined above, the variant was classified as likely benign.

CeGaT Center for Human Genetics Tuebingen
Classification: Likely benign. Last evaluated: 2025-07-01. Review status: criteria provided, single submitter. Criteria: CeGaT Center For Human Genetics Tuebingen Variant Classification Criteria Version 2. Collection method: clinical testing. Allele origin: germline. Affected: yes. Observed: 1 variant allele.
Comment: DMD: BS2

Revvity Omics, Revvity
Classification: Likely benign. Last evaluated: 2025-02-13. Review status: criteria provided, single submitter. Criteria: ACMG Guidelines, 2015. Collection method: clinical testing. Allele origin: germline.

Mendelics
Classification: Likely benign for Duchenne muscular dystrophy. Last evaluated: 2019-05-28. Review status: criteria provided, single submitter. Criteria: Mendelics Assertion Criteria 2017. Collection method: clinical testing. Allele origin: unknown.

Ambry Genetics
Classification: Benign for Cardiovascular phenotype. Last evaluated: 2019-01-14. Review status: criteria provided, single submitter. Criteria: Ambry Variant Classification Scheme 2023. Collection method: clinical testing. Allele origin: germline.

Eurofins Ntd Llc (ga)
Classification: Uncertain significance. Last evaluated: 2018-05-29. Review status: criteria provided, single submitter. Criteria: EGL ClinVar v180209 classification definitions. Collection method: clinical testing. Allele origin: germline. Observed: 1 variant allele, 1 hemizygote.

Athena Diagnostics
Classification: Likely benign. Last evaluated: 2017-08-07. Review status: criteria provided, single submitter. Criteria: Athena Diagnostics criteria. Collection method: clinical testing. Allele origin: unknown.

PreventionGenetics, part of Exact Sciences
Classification: Likely benign for DMD-related condition. Last evaluated: 2022-08-15. Review status: no assertion criteria provided. Collection method: clinical testing. Allele origin: germline. Not counted in ClinVar's aggregate classification.
Comment: This variant is classified as likely benign based on ACMG/AMP sequence variant interpretation guidelines (Richards et al. 2015 PMID: 25741868, with internal and published modifications).

Natera, Inc.
Classification: Likely benign for Becker muscular dystrophy; Cardiomyopathy; Duchenne muscular dystrophy; Dystrophin deficiency. Last evaluated: 2020-10-22. Review status: no assertion criteria provided. Collection method: clinical testing. Allele origin: germline. Not counted in ClinVar's aggregate classification.

Literature cited by the submitters: PubMed 24558114 (cited by Women's Health and Genetics/Laboratory Corporation of America, LabCorp); PubMed 30615648 (cited by Women's Health and Genetics/Laboratory Corporation of America, LabCorp); PubMed 38813989 (cited by Women's Health and Genetics/Laboratory Corporation of America, LabCorp).